The following is an entry in ClinVar:

ClinVar aggregate classification (germline): Conflicting classifications of pathogenicity. Review status: criteria provided, conflicting classifications (1 of 4 stars). 2 submissions from 2 submitters: Pathogenic (1); Uncertain significance (1). Last evaluated 2023-10-22.

Conditions:
Glycine encephalopathy. Also called: Nonketotic hyperglycinemia; Non-ketotic hyperglycinemia. Identifiers: Orphanet 407, MedGen C0751748, MONDO:0011612, HP:0008288.

Allele frequency attached by ClinVar (database versions not stated): ExAC 0.00001; gnomAD 0.00001; TOPMed 0.00001; ESP Exome Variant Server 0.00008.

Submissions (2):

Labcorp Genetics (formerly Invitae), Labcorp
Classification: Pathogenic for Glycine encephalopathy. Last evaluated: 2023-10-22. Review status: criteria provided, single submitter. Criteria: Invitae Variant Classification Sherloc (09022015). Collection method: clinical testing. Allele origin: germline.
Comment: This sequence change replaces valine, which is neutral and non-polar, with leucine, which is neutral and non-polar, at codon 360 of the GLDC protein (p.Val360Leu). This variant is present in population databases (rs373482451, gnomAD 0.003%). This missense change has been observed in individual(s) with non-ketotic hyperglycinemia (PMID: 26179960, 27362913). In at least one individual the data is consistent with being in trans (on the opposite chromosome) from a pathogenic variant. ClinVar contains an entry for this variant (Variation ID: 1029690). Advanced modeling of protein sequence and biophysical properties (such as structural, functional, and spatial information, amino acid conservation, physicochemical variation, residue mobility, and thermodynamic stability) performed at Invitae indicates that this missense variant is not expected to disrupt GLDC protein function. For these reasons, this variant has been classified as Pathogenic.

Baylor Genetics
Classification: Uncertain significance for Glycine encephalopathy 1. Last evaluated: 2020-01-31. Review status: criteria provided, single submitter. Criteria: ACMG Guidelines, 2015. Collection method: clinical testing. Allele origin: unknown. Affected: yes.
Comment: This variant was determined to be of uncertain significance according to ACMG Guidelines, 2015 [PMID:25741868].

Literature cited by the submitters: PubMed 26179960 (cited by Labcorp Genetics (formerly Invitae), Labcorp); PubMed 27362913 (cited by Labcorp Genetics (formerly Invitae), Labcorp).

NM_000170.3(GLDC):c.1078G>C (p.Val360Leu)

Gene: GLDC (glycine decarboxylase; minus strand). Cytogenetic location: 9p24.1.
Variant type: single nucleotide variant.
Coding change: c.1078G>C on transcript NM_000170.3 (MANE Select); coding-DNA position 1078, G replaced by C.
Protein change: p.Val360Leu; replaces valine 360 with leucine.
Molecular consequence: missense variant.
Genome position (GRCh38, 1-based): chr9:6,602,186, C>G on the plus strand (G>C on the coding strand, the complement: GLDC is on the minus strand). VCF-style: chr9-6602186-C-G. GRCh37 (hg19) VCF-style: chr9-6602186-C-G.
Other names: short protein forms V360L.
Identifiers: ClinVar variation 1029690 (VCV001029690.6), dbSNP rs373482451, ClinGen allele CA4980870.